The following is an entry in ClinVar:

NM_001103146.3(GIGYF2):c.334A>G (p.Thr112Ala)

Gene: GIGYF2 (GRB10 interacting GYF protein 2; plus strand). Cytogenetic location: 2q37.1.
Variant type: single nucleotide variant.
Coding change: c.334A>G on transcript NM_001103146.3 (MANE Select); coding-DNA position 334, A replaced by G.
Protein change: p.Thr112Ala; replaces threonine 112 with alanine.
Molecular consequence: missense variant. On other transcripts: non-coding transcript variant (1).
Genome position (GRCh38, 1-based): chr2:232,756,289, A>G. VCF-style: chr2-232756289-A-G. GRCh37 (hg19) VCF-style: chr2-233620999-A-G.
Other names: c.334A>G, p.Thr112Ala (NM_001103147.2, NM_001103148.2, NM_015575.4); short protein forms T112A.
Identifiers: ClinVar variation 4885331 (VCV004885331.2).

ClinVar aggregate classification (germline): Uncertain significance (1 of 4 stars; one submission).

gnomAD v4.1: 4 of 1,586,276 alleles (0.00025%); highest among the groups gnomAD compares: Non-Finnish European, 0.00034%; no homozygotes.

Submission:

Dasa
Classification: Uncertain significance. Last evaluated: 2026-03-24. Review status: criteria provided, single submitter. Criteria: DASA Assertion Criteria. Collection method: clinical testing. Allele origin: germline.
Comment: NM_001103146.3(GIGYF2):c.334A>G (p.Thr112Ala) is a missense variant that results in the substitution of threonine with alanine. This variant is rare in population databases. The currently available literature and clinical evidence are not sufficient to establish a definitive association between this variant and the reported condition. Therefore, this variant is classified as a variant of uncertain significance.